The following is an entry in ClinVar:

ClinVar aggregate classification (germline): Benign. Review status: criteria provided, multiple submitters, no conflicts (2 of 4 stars). 11 submissions from 10 submitters: Benign (9). 2 of the submissions do not count toward it. Last evaluated 2026-02-04.

Conditions:
Peripheral neuropathy-myopathy-hoarseness-hearing loss syndrome. Identifiers: Orphanet 397744, MedGen C3280556, MONDO:0013711, OMIM 614369.
Autosomal dominant nonsyndromic hearing loss 4A. Also called: Deafness, autosomal dominant 4A. Identifiers: Orphanet 90635, MedGen C1833503, MONDO:0010915, OMIM 600652.

Allele frequency attached by ClinVar (database versions not stated): 1000 Genomes Project 30x 0.35400; 1000 Genomes Project 0.35783; TOPMed 0.37871; gnomAD exomes 0.38203; gnomAD 0.38264 and 0.38312; ESP Exome Variant Server 0.38622; ExAC 0.41408.

Submissions (11):

Labcorp Genetics (formerly Invitae), Labcorp
Classification: Benign. Last evaluated: 2026-02-04. Review status: criteria provided, single submitter. Criteria: Invitae Variant Classification Sherloc (09022015). Collection method: clinical testing. Allele origin: germline.

Genome-Nilou Lab
Classification: Benign for Peripheral neuropathy-myopathy-hoarseness-hearing loss syndrome. Last evaluated: 2021-09-05. Review status: criteria provided, single submitter. Criteria: ACMG Guidelines, 2015. Collection method: clinical testing. Allele origin: germline. Affected: no.

Genome-Nilou Lab
Classification: Benign for Autosomal dominant nonsyndromic hearing loss 4A. Last evaluated: 2021-09-05. Review status: criteria provided, single submitter. Criteria: ACMG Guidelines, 2015. Collection method: clinical testing. Allele origin: germline. Affected: no.

Mayo Clinic Laboratories, Mayo Clinic
Classification: Benign. Last evaluated: 2020-10-02. Review status: criteria provided, single submitter. Criteria: ACMG Guidelines, 2015. Collection method: clinical testing. Allele origin: germline. Observed: 946 variant alleles.

Illumina Laboratory Services, Illumina
Classification: Benign for Autosomal dominant nonsyndromic hearing loss 4A. Last evaluated: 2018-01-13. Review status: criteria provided, single submitter. Criteria: ICSL Variant Classification Criteria 13 December 2019. Collection method: clinical testing. Allele origin: germline.
Comment: This variant was observed in the ICSL laboratory as part of a predisposition screen in an ostensibly healthy population. It had not been previously curated by ICSL or reported in the Human Gene Mutation Database (HGMD: prior to June 1st, 2018), and was therefore a candidate for classification through an automated scoring system. Utilizing variant allele frequency, disease prevalence and penetrance estimates, and inheritance mode, an automated score was calculated to assess if this variant is too frequent to cause the disease. Based on the score and internal cut-off values, a variant classified as benign is not then subjected to further curation. The score for this variant resulted in a classification of benign for this disease.

GeneDx
Classification: Benign. Last evaluated: 2017-05-09. Review status: criteria provided, single submitter. Criteria: GeneDx Variant Classification (06012015). Collection method: clinical testing. Allele origin: germline. Affected: yes.
Comment: This variant is considered likely benign or benign based on one or more of the following criteria: it is a conservative change, it occurs at a poorly conserved position in the protein, it is predicted to be benign by multiple in silico algorithms, and/or has population frequency not consistent with disease.

Laboratory for Molecular Medicine, Mass General Brigham Personalized Medicine
Classification: Benign. Last evaluated: 2012-05-07. Review status: criteria provided, single submitter. Criteria: LMM Criteria. Collection method: clinical testing. Allele origin: germline. Observed: 1,051 variant alleles.
Comment: "Arg735Arg in Exon 18 of MYH14: This variant is not expected to have clinical si gnificance because it does not alter an amino acid residue, is not located withi n the splice consensus sequence, and has been identified in 42.5% (2938/6920) of European American chromosomes from a broad population by the NHLBI Exome Sequen cing Project (dbSNP rs378811)."

Breakthrough Genomics
Classification: Benign. Review status: criteria provided, single submitter. Criteria: ACMG Guidelines, 2015. Collection method: not provided. Allele origin: germline. Inheritance: Autosomal dominant inheritance. Affected: yes.

PreventionGenetics, part of Exact Sciences
Classification: Benign. Review status: criteria provided, single submitter. Criteria: ACMG Guidelines, 2015. Collection method: clinical testing. Allele origin: germline.

Clinical Genetics, Academic Medical Center
Classification: Benign. Review status: no assertion criteria provided. Collection method: clinical testing. Allele origin: germline. Affected: yes. Study: VKGL Data-share Consensus. Not counted in ClinVar's aggregate classification.

Diagnostic Laboratory, Department of Genetics, University Medical Center Groningen
Classification: Benign. Review status: no assertion criteria provided. Collection method: clinical testing. Allele origin: germline. Affected: yes. Study: VKGL Data-share Consensus. Not counted in ClinVar's aggregate classification.

NM_001145809.2(MYH14):c.2205C>G (p.Arg735=)

Gene: MYH14 (myosin heavy chain 14; plus strand). Cytogenetic location: 19q13.33.
Variant type: single nucleotide variant.
Coding change: c.2205C>G on transcript NM_001145809.2 (MANE Select); coding-DNA position 2205, C replaced by G.
Protein change: p.Arg735=; no amino-acid change (arginine 735 retained).
Molecular consequence: synonymous variant.
Genome position (GRCh38, 1-based): chr19:50,257,459, C>G. VCF-style: chr19-50257459-C-G. GRCh37 (hg19) VCF-style: chr19-50760716-C-G.
Other names: p.Arg694=; c.2106C>G, p.Arg702= (NM_001077186.2); c.2082C>G, p.Arg694= (NM_024729.4).
Identifiers: ClinVar variation 44055 (VCV000044055.23), dbSNP rs378811, ClinGen allele CA133475.